The following is an entry in ClinVar:

NM_152393.4(KLHL40):c.1305C>A (p.Tyr435Ter)

Gene: KLHL40 (kelch like family member 40; plus strand). Cytogenetic location: 3p22.1.
Variant type: single nucleotide variant.
Coding change: c.1305C>A on transcript NM_152393.4 (MANE Select); coding-DNA position 1305, C replaced by A.
Protein change: p.Tyr435Ter; replaces tyrosine 435 with a stop codon.
Molecular consequence: nonsense.
Genome position (GRCh38, 1-based): chr3:42,688,294, C>A. VCF-style: chr3-42688294-C-A. GRCh37 (hg19) VCF-style: chr3-42729786-C-A.
Other names: short protein forms Y435*.
Identifiers: ClinVar variation 2573172 (VCV002573172.1), dbSNP rs573886282, ClinGen allele CA352293679.

ClinVar aggregate classification (germline): Likely pathogenic (1 of 4 stars; one submission).

Conditions:
Nemaline myopathy 8 (NEM8). Also called: Nemaline myopathy 8, autosomal recessive. Identifiers: Orphanet 171430, MedGen C3809209, MONDO:0014138, OMIM 615348.

gnomAD v4.1: 3 of 1,613,830 alleles (0.00019%); highest among the groups gnomAD compares: Non-Finnish European, 0.00025%; no homozygotes.

Submission:

Cytogenetics and Genomics Lab, Cyprus Institute Of Neurology and Genetics
Classification: Likely pathogenic for Nemaline myopathy 8. Last evaluated: 2023-07-17. Review status: criteria provided, single submitter. Criteria: ACGS Guidelines, 2020. Collection method: research. Allele origin: biparental. Affected: yes.
Comment: KLHL40 c.1305C>A was detected in homozygosity and is a nonsense variant predicted to cause nonsense-mediated decay. Loss-of-function is in a known mechanism of disease related to Nemaline Myopathy 8, autosomal recessive. Allele frequency is extremely low in gnomAD databases.